The following is an entry in ClinVar:

NM_032043.3(BRIP1):c.314C>A (p.Ser105Ter)

Gene: BRIP1 (BRCA1 interacting DNA helicase 1; minus strand). Cytogenetic location: 17q23.2.
Variant type: single nucleotide variant.
Coding change: c.314C>A on transcript NM_032043.3 (MANE Select); coding-DNA position 314, C replaced by A.
Protein change: p.Ser105Ter; replaces serine 105 with a stop codon.
Molecular consequence: nonsense.
Genome position (GRCh38, 1-based): chr17:61,857,123, G>T on the plus strand (C>A on the coding strand, the complement: BRIP1 is on the minus strand). VCF-style: chr17-61857123-G-T. GRCh37 (hg19) VCF-style: chr17-59934484-G-T.
Other names: short protein forms S105*.
Identifiers: ClinVar variation 2032391 (VCV002032391.5), dbSNP rs1555617829, ClinGen allele CA400485389.

ClinVar aggregate classification (germline): Pathogenic. Review status: criteria provided, multiple submitters, no conflicts (2 of 4 stars). 2 submissions from 2 submitters: Pathogenic (2). Last evaluated 2025-10-07.

Conditions:
Hereditary cancer-predisposing syndrome. Also called: Tumor predisposition; Hereditary neoplastic syndrome; Neoplastic Syndromes, Hereditary; Hereditary Cancer Syndrome. Identifiers: Orphanet 140162, MedGen C0027672, MeSH D009386, MONDO:0015356.
Familial cancer of breast. Also called: Hereditary breast cancer; hereditary breast carcinoma; BREAST CANCER, FAMILIAL. Identifiers: Orphanet 227535, MedGen C0346153, MONDO:0016419, OMIM 114480. Disease mechanism: loss of function.
Fanconi anemia complementation group J. Also called: BRIP1-Related Fanconi Anemia. Identifiers: Orphanet 84, MedGen C1836860, MONDO:0012187, OMIM 609054.

Submissions (2):

Ambry Genetics
Classification: Pathogenic for Hereditary cancer-predisposing syndrome. Last evaluated: 2025-10-07. Review status: criteria provided, single submitter. Criteria: Ambry Variant Classification Scheme 2023. Collection method: clinical testing. Allele origin: germline.
Comment: The p.S105* pathogenic mutation (also known as c.314C>A), located in coding exon 3 of the BRIP1 gene, results from a C to A substitution at nucleotide position 314. This changes the amino acid from a serine to a stop codon within coding exon 3. This variant is considered to be rare based on population cohorts in the Genome Aggregation Database (gnomAD). This alteration is expected to result in loss of function by premature protein truncation or nonsense-mediated mRNA decay. As such, this alteration is interpreted as a disease-causing mutation.

Labcorp Genetics (formerly Invitae), Labcorp
Classification: Pathogenic for Familial cancer of breast; Fanconi anemia complementation group J. Last evaluated: 2023-07-30. Review status: criteria provided, single submitter. Criteria: Invitae Variant Classification Sherloc (09022015). Collection method: clinical testing. Allele origin: germline.
Comment: For these reasons, this variant has been classified as Pathogenic. ClinVar contains an entry for this variant (Variation ID: 2032391). This sequence change creates a premature translational stop signal (p.Ser105*) in the BRIP1 gene. It is expected to result in an absent or disrupted protein product. Loss-of-function variants in BRIP1 are known to be pathogenic (PMID: 16116423, 17033622, 21964575). This variant is not present in population databases (gnomAD no frequency). This variant has not been reported in the literature in individuals affected with BRIP1-related conditions.

Literature cited by the submitters: PubMed 16116423 (cited by Labcorp Genetics (formerly Invitae), Labcorp); PubMed 17033622 (cited by Labcorp Genetics (formerly Invitae), Labcorp); PubMed 21964575 (cited by Labcorp Genetics (formerly Invitae), Labcorp).